The following is an entry in ClinVar:

NM_001358530.2(MOCS1):c.758-3C>T

Gene: MOCS1 (molybdenum cofactor synthesis 1; minus strand). Cytogenetic location: 6p21.2.
Variant type: single nucleotide variant.
Coding change: c.758-3C>T on transcript NM_001358530.2 (MANE Select); 3 bases into the intron before coding-DNA position 758, C replaced by T.
Molecular consequence: intron variant.
Genome position (GRCh38, 1-based): chr6:39,913,007, G>A on the plus strand (C>T on the coding strand, the complement: MOCS1 is on the minus strand). VCF-style: chr6-39913007-G-A. GRCh37 (hg19) VCF-style: chr6-39880751-G-A.
Other names: c.758-3C>T (NM_005943.5, NM_001358529.2, NM_001075098.4 and 1 more transcripts); c.497-3C>T (NM_001358531.2, NM_001358533.2, NM_001358534.2).
Identifiers: ClinVar variation 1010245 (VCV001010245.29), dbSNP rs113678603, ClinGen allele CA3796150.
Genomic context (GRCh38, chr6:39,913,007, plus strand): 5'-CGGACAGTGTCTAGCATCTCCTTATAGCTGACCATCTTCTTGAAGTTCCACTTGTTGCCT[G>A]TATTCGGGATGGGGGAAGGCAAGGGGAGCTTCTGAATCACAGTTGAAGGGGCCCCGGGGT-3'

ClinVar aggregate classification (germline): Conflicting classifications of pathogenicity. Review status: criteria provided, conflicting classifications (1 of 4 stars). 4 submissions from 4 submitters: Uncertain significance (2); Likely benign (1). 1 of the submissions does not count toward it. Last evaluated 2024-09-02.

Conditions:
Sulfite oxidase deficiency due to molybdenum cofactor deficiency type A. Also called: Molybdenum Cofactor Deficiency A; Molybdenum cofactor deficiency, complementation group A. Identifiers: Orphanet 308386, Orphanet 833, MedGen C1854988, MONDO:0009643, OMIM 252150.
MOCS1-related disorder. Also called: MOCS1-related condition.

Allele frequency attached by ClinVar (database versions not stated): gnomAD exomes 0.00005 and 0.00013; ExAC 0.00012; ESP Exome Variant Server 0.00023; gnomAD 0.00042 and 0.00045; TOPMed 0.00053; 1000 Genomes Project 30x 0.00062; 1000 Genomes Project 0.00080.
gnomAD v4.1: 143 of 1,613,342 alleles (0.0089%); highest among the groups gnomAD compares: African/African-American, 0.16%; no homozygotes.

Submissions (4):

Women's Health and Genetics/Laboratory Corporation of America, LabCorp
Classification: Uncertain significance. Last evaluated: 2024-09-02. Review status: criteria provided, single submitter. Criteria: LabCorp Variant Classification Summary - May 2015. Collection method: clinical testing. Allele origin: germline.
Comment: Variant summary: MOCS1 c.758-3C>T alters a non-conserved nucleotide located close to a canonical splice site and therefore could affect mRNA splicing, leading to a significantly altered protein sequence. Consensus agreement among computation tools predict no significant impact on normal splicing. However, these predictions have yet to be confirmed by functional studies. The variant allele was found at a frequency of 0.00013 in 251286 control chromosomes, predominantly at a frequency of 0.0017 within the African or African-American subpopulation in the gnomAD database. This frequency is not significantly higher than estimated for a pathogenic variant in MOCS1 causing Sulfite Oxidase Deficiency Due To Molybdenum Cofactor Deficiency Type A, allowing no conclusion about variant significance. To our knowledge, no occurrence of c.758-3C>T in individuals affected with Sulfite Oxidase Deficiency Due To Molybdenum Cofactor Deficiency Type A and no experimental evidence demonstrating its impact on protein function have been reported. ClinVar contains an entry for this variant (Variation ID: 1010245). Based on the evidence outlined above, the variant was classified as uncertain significance.

CeGaT Center for Human Genetics Tuebingen
Classification: Likely benign. Last evaluated: 2023-09-01. Review status: criteria provided, single submitter. Criteria: CeGaT Center For Human Genetics Tuebingen Variant Classification Criteria Version 2. Collection method: clinical testing. Allele origin: germline. Affected: yes. Observed: 1 variant allele.
Comment: MOCS1: BP4

Labcorp Genetics (formerly Invitae), Labcorp
Classification: Uncertain significance for Sulfite oxidase deficiency due to molybdenum cofactor deficiency type A. Last evaluated: 2022-08-16. Review status: criteria provided, single submitter. Criteria: Invitae Variant Classification Sherloc (09022015). Collection method: clinical testing. Allele origin: germline.
Comment: This sequence change falls in intron 6 of the MOCS1 gene. It does not directly change the encoded amino acid sequence of the MOCS1 protein. It affects a nucleotide within the consensus splice site. This variant is present in population databases (rs113678603, gnomAD 0.2%). This variant has not been reported in the literature in individuals affected with MOCS1-related conditions. ClinVar contains an entry for this variant (Variation ID: 1010245). Variants that disrupt the consensus splice site are a relatively common cause of aberrant splicing (PMID: 17576681, 9536098). Algorithms developed to predict the effect of sequence changes on RNA splicing suggest that this variant is not likely to affect RNA splicing. In summary, the available evidence is currently insufficient to determine the role of this variant in disease. Therefore, it has been classified as a Variant of Uncertain Significance.

PreventionGenetics, part of Exact Sciences
Classification: Likely benign for MOCS1-related condition. Last evaluated: 2024-04-05. Review status: no assertion criteria provided. Collection method: clinical testing. Allele origin: germline. Not counted in ClinVar's aggregate classification.
Comment: This variant is classified as likely benign based on ACMG/AMP sequence variant interpretation guidelines (Richards et al. 2015 PMID: 25741868, with internal and published modifications).

Literature cited by the submitters: PubMed 17576681 (cited by Labcorp Genetics (formerly Invitae), Labcorp); PubMed 9536098 (cited by Labcorp Genetics (formerly Invitae), Labcorp).